The following is an entry in ClinVar:

NM_013266.4(CTNNA3):c.671C>G (p.Ala224Gly)

Gene: CTNNA3 (catenin alpha 3; minus strand). Cytogenetic location: 10q21.3.
Variant type: single nucleotide variant.
Coding change: c.671C>G on transcript NM_013266.4 (MANE Select); coding-DNA position 671, C replaced by G.
Protein change: p.Ala224Gly; replaces alanine 224 with glycine.
Molecular consequence: missense variant.
Genome position (GRCh38, 1-based): chr10:67,219,779, G>C on the plus strand (C>G on the coding strand, the complement: CTNNA3 is on the minus strand). VCF-style: chr10-67219779-G-C. GRCh37 (hg19) VCF-style: chr10-68979537-G-C.
Other names: c.671C>G, p.Ala224Gly (NM_001127384.3); c.707C>G, p.Ala236Gly (NM_001291133.2); short protein forms A224G, A236G.
Identifiers: ClinVar variation 3621751 (VCV003621751.2).

ClinVar aggregate classification (germline): Uncertain significance (1 of 4 stars; one submission).

Conditions:
Arrhythmogenic right ventricular dysplasia 13. Also called: ARRHYTHMOGENIC RIGHT VENTRICULAR CARDIOMYOPATHY 13; Arrhythmogenic right ventricular dysplasia, familial, 13. Identifiers: MedGen C3810138, MONDO:0000908, OMIM 615616.

gnomAD v4.1: 6 of 1,613,968 alleles (0.00037%); highest among the groups gnomAD compares: Admixed American, 0.01%; no homozygotes.

Submission:

Labcorp Genetics (formerly Invitae), Labcorp
Classification: Uncertain significance for Arrhythmogenic right ventricular dysplasia 13. Last evaluated: 2024-03-02. Review status: criteria provided, single submitter. Criteria: Invitae Variant Classification Sherloc (09022015). Collection method: clinical testing. Allele origin: germline.
Comment: This sequence change replaces alanine, which is neutral and non-polar, with glycine, which is neutral and non-polar, at codon 224 of the CTNNA3 protein (p.Ala224Gly). This variant is present in population databases (no rsID available, gnomAD no frequency). This variant has not been reported in the literature in individuals affected with CTNNA3-related conditions. Advanced modeling of protein sequence and biophysical properties (such as structural, functional, and spatial information, amino acid conservation, physicochemical variation, residue mobility, and thermodynamic stability) performed at Invitae indicates that this missense variant is expected to disrupt CTNNA3 protein function with a positive predictive value of 80%. Algorithms developed to predict the effect of sequence changes on RNA splicing suggest that this variant may create or strengthen a splice site. In summary, the available evidence is currently insufficient to determine the role of this variant in disease. Therefore, it has been classified as a Variant of Uncertain Significance.